The following is an entry in ClinVar:

NM_001033855.3(DCLRE1C):c.1357G>T (p.Glu453Ter)

Gene: DCLRE1C (DNA cross-link repair 1C; minus strand). Cytogenetic location: 10p13.
Variant type: single nucleotide variant.
Coding change: c.1357G>T on transcript NM_001033855.3 (MANE Select); coding-DNA position 1357, G replaced by T.
Protein change: p.Glu453Ter; replaces glutamic acid 453 with a stop codon.
Molecular consequence: nonsense. On other transcripts: non-coding transcript variant (4).
Genome position (GRCh38, 1-based): chr10:14,909,130, C>A on the plus strand (G>T on the coding strand, the complement: DCLRE1C is on the minus strand). VCF-style: chr10-14909130-C-A. GRCh37 (hg19) VCF-style: chr10-14951129-C-A.
Other names: c.997G>T, p.Glu333Ter (NM_001033857.3, NM_001033858.3, NM_001289077.2 and 2 more transcripts); c.1012G>T, p.Glu338Ter (NM_001289076.2, NM_001289078.2, NM_001350966.2 and 1 more transcripts); c.1357G>T, p.Glu453Ter (NM_001350965.2); short protein forms E333*, E338*, E453*.
Identifiers: ClinVar variation 4292282 (VCV004292282.1).

ClinVar aggregate classification (germline): Likely pathogenic (1 of 4 stars; one submission).

Conditions:
Histiocytic medullary reticulosis. Also called: SEVERE COMBINED IMMUNODEFICIENCY WITH HYPEREOSINOPHILIA; Omenn syndrome. Identifiers: Orphanet 39041, MedGen C2700553, MONDO:0011338, OMIM 603554.

Submission:

3billion
Classification: Likely pathogenic for Histiocytic medullary reticulosis. Last evaluated: 2024-12-31. Review status: criteria provided, single submitter. Criteria: ACMG Guidelines, 2015. Collection method: clinical testing. Allele origin: germline. Affected: yes.
Comment: The variant is not observed in the gnomAD v4.1.0 dataset. Predicted Consequence/Location: Stop-gained (nonsense): predicted to result in a loss or disruption of normal protein function through protein truncation. The predicted truncated protein may be shortened by more than 10%. Therefore, this variant is classified as Likely pathogenic according to the recommendation of ACMG/AMP guideline.